The following is an entry in ClinVar:

ClinVar aggregate classification (germline): Uncertain significance (1 of 4 stars; one submission).

Conditions:
Gastrointestinal stromal tumor. Also called: Gastrointestinal stroma tumor; Gastrointestinal stromal tumor, somatic. Identifiers: Orphanet 44890, MedGen C0238198, MeSH D046152, MONDO:0011719, OMIM 606764, HP:0100723.

Allele frequency attached by ClinVar (database versions not stated): gnomAD exomes below 0.00001.
gnomAD v4.1: 1 of 1,614,198 alleles (0.000062%); no homozygotes.

Submission:

Labcorp Genetics (formerly Invitae), Labcorp
Classification: Uncertain significance for Gastrointestinal stromal tumor. Last evaluated: 2022-10-23. Review status: criteria provided, single submitter. Criteria: Invitae Variant Classification Sherloc (09022015). Collection method: clinical testing. Allele origin: germline.
Comment: This sequence change replaces leucine, which is neutral and non-polar, with arginine, which is basic and polar, at codon 196 of the KIT protein (p.Leu196Arg). This variant is not present in population databases (gnomAD no frequency). This variant has not been reported in the literature in individuals affected with KIT-related conditions. Algorithms developed to predict the effect of missense changes on protein structure and function (SIFT, PolyPhen-2, Align-GVGD) all suggest that this variant is likely to be tolerated. In summary, the available evidence is currently insufficient to determine the role of this variant in disease. Therefore, it has been classified as a Variant of Uncertain Significance.

NM_000222.3(KIT):c.587T>G (p.Leu196Arg)

Gene: KIT (KIT proto-oncogene, receptor tyrosine kinase; plus strand). Cytogenetic location: 4q12.
Variant type: single nucleotide variant.
Coding change: c.587T>G on transcript NM_000222.3 (MANE Select); coding-DNA position 587, T replaced by G.
Protein change: p.Leu196Arg; replaces leucine 196 with arginine.
Molecular consequence: missense variant.
Genome position (GRCh38, 1-based): chr4:54,698,533, T>G. VCF-style: chr4-54698533-T-G. GRCh37 (hg19) VCF-style: chr4-55564699-T-G.
Other names: c.587T>G, p.Leu196Arg (NM_001093772.2, NM_001385284.1, NM_001385285.1 and 4 more transcripts); short protein forms L196R.
Identifiers: ClinVar variation 1722077 (VCV001722077.6), dbSNP rs2475452627, ClinGen allele CA356898058.